The following is an entry in ClinVar:

NM_002772.3(TMPRSS15):c.622_626del (p.Val208fs)

Gene: TMPRSS15 (transmembrane serine protease 15; minus strand). Cytogenetic location: 21q21.1.
Variant type: Deletion.
Coding change: c.622_626del on transcript NM_002772.3 (MANE Select); coding-DNA positions 622 to 626, 5 bases deleted (GTAAA; older notation c.622_626delGTAAA).
Protein change: p.Val208fs; shifts the reading frame from valine 208.
Molecular consequence: frameshift variant.
Genome position (GRCh38, 1-based): chr21:18,372,231-18,372,235, TTTAC deleted on the plus strand (GTAAA on the coding strand, the reverse complement: TMPRSS15 is on the minus strand); deleting any 5 consecutive bases within chr21:18,372,231-18,372,237 gives the same sequence; the c. name uses the placement nearest the transcript's 3' end. VCF-style (leftmost placement, unchanged base first): chr21-18372230-GTTTAC-G. GRCh37 (hg19) VCF-style: chr21-19744547-GTTTAC-G.
Other names: short protein forms V208fs.
Identifiers: ClinVar variation 2028638 (VCV002028638.4), dbSNP rs2516785904, ClinGen allele CA2580098526.
Genomic context (GRCh38, chr21:18,372,230, plus strand): 5'-AGAGAGTAGGGGGGAGAACTTACCACACATTTTATTGTCTTCGTCAGAACCATCTGGACA[GTTTAC>G]TTCTCCATCACAAAATAAATCAGCTTTTATACACGTTAGAGCATCAGTACAAGGACTTGA-3'

ClinVar aggregate classification (germline): Pathogenic (1 of 4 stars; one submission).

Submission:

Labcorp Genetics (formerly Invitae), Labcorp
Classification: Pathogenic. Last evaluated: 2022-09-02. Review status: criteria provided, single submitter. Criteria: Invitae Variant Classification Sherloc (09022015). Collection method: clinical testing. Allele origin: germline.
Comment: Algorithms developed to predict the effect of sequence changes on RNA splicing suggest that this variant may disrupt the consensus splice site. This variant has not been reported in the literature in individuals affected with TMPRSS15-related conditions. This variant is not present in population databases (gnomAD no frequency). This sequence change creates a premature translational stop signal (p.Val208Leufs*6) in the TMPRSS15 gene. It is expected to result in an absent or disrupted protein product. Loss-of-function variants in TMPRSS15 are known to be pathogenic (PMID: 11719902). For these reasons, this variant has been classified as Pathogenic.

Literature cited by the submitters: PubMed 11719902.